The following is an entry in ClinVar:

NM_012293.3(PXDN):c.4123A>C (p.Thr1375Pro)

Gene: PXDN (peroxidasin; minus strand). Cytogenetic location: 2p25.3.
Variant type: single nucleotide variant.
Coding change: c.4123A>C on transcript NM_012293.3 (MANE Select); coding-DNA position 4123, A replaced by C.
Protein change: p.Thr1375Pro; replaces threonine 1375 with proline.
Molecular consequence: missense variant.
Genome position (GRCh38, 1-based): chr2:1,638,929, T>G on the plus strand (A>C on the coding strand, the complement: PXDN is on the minus strand). VCF-style: chr2-1638929-T-G. GRCh37 (hg19) VCF-style: chr2-1642701-T-G.
Other names: c.4123A>C (NM_012293.1); short protein forms T1375P.
Identifiers: ClinVar variation 1461166 (VCV001461166.8), dbSNP rs371739601, ClinGen allele CA1512508.

ClinVar aggregate classification (germline): Uncertain significance. Review status: criteria provided, multiple submitters, no conflicts (2 of 4 stars). 2 submissions from 2 submitters: Uncertain significance (2). Last evaluated 2025-12-02.

Conditions:
Inborn genetic diseases. Identifiers: MedGen C0950123, MeSH D030342.
Anterior segment dysgenesis 7 (ASGD7). Also called: SCLEROCORNEA WITH OTHER OCULAR ANOMALIES; Anterior segment dysgenesis 7, with sclerocornea. Identifiers: Orphanet 289499, MedGen C3151617, MONDO:0010015, OMIM 269400.

Allele frequency attached by ClinVar (database versions not stated): gnomAD exomes 0.00006 and 0.00014; ExAC 0.00007; ESP Exome Variant Server 0.00008; gnomAD 0.00013; TOPMed 0.00017.
gnomAD v4.1: 233 of 1,613,874 alleles (0.014%); highest among the groups gnomAD compares: Admixed American, 0.047%; 2 homozygotes.

Submissions (2):

Ambry Genetics
Classification: Uncertain significance for Inborn genetic diseases. Last evaluated: 2025-12-02. Review status: criteria provided, single submitter. Criteria: Ambry Variant Classification Scheme 2023. Collection method: clinical testing. Allele origin: germline.

Labcorp Genetics (formerly Invitae), Labcorp
Classification: Uncertain significance for Anterior segment dysgenesis 7. Last evaluated: 2022-07-12. Review status: criteria provided, single submitter. Criteria: Invitae Variant Classification Sherloc (09022015). Collection method: clinical testing. Allele origin: germline.
Comment: In summary, the available evidence is currently insufficient to determine the role of this variant in disease. Therefore, it has been classified as a Variant of Uncertain Significance. Algorithms developed to predict the effect of missense changes on protein structure and function (SIFT, PolyPhen-2, Align-GVGD) all suggest that this variant is likely to be tolerated. ClinVar contains an entry for this variant (Variation ID: 1461166). This variant has not been reported in the literature in individuals affected with PXDN-related conditions. This variant is present in population databases (rs371739601, gnomAD 0.02%). This sequence change replaces threonine, which is neutral and polar, with proline, which is neutral and non-polar, at codon 1375 of the PXDN protein (p.Thr1375Pro).